The following is an entry in ClinVar:

ClinVar aggregate classification (germline): Uncertain significance (1 of 4 stars; one submission).

Conditions:
Wiskott-Aldrich syndrome 2 (WAS2). Also called: WIPF1 DEFICIENCY. Identifiers: Orphanet 906, MedGen C3281001, MONDO:0013779, OMIM 614493.

Allele frequency attached by ClinVar (database versions not stated): gnomAD 0.00001; gnomAD exomes 0.00001; TOPMed 0.00002.
gnomAD v4.1: 6 of 1,613,866 alleles (0.00037%); highest among the groups gnomAD compares: Admixed American, 0.0033%; no homozygotes.

Submission:

Labcorp Genetics (formerly Invitae), Labcorp
Classification: Uncertain significance for Wiskott-Aldrich syndrome 2. Last evaluated: 2021-12-12. Review status: criteria provided, single submitter. Criteria: Invitae Variant Classification Sherloc (09022015). Collection method: clinical testing. Allele origin: germline.
Comment: Algorithms developed to predict the effect of missense changes on protein structure and function are either unavailable or do not agree on the potential impact of this missense change (SIFT: "Not Available"; PolyPhen-2: "Benign"; Align-GVGD: "Not Available"). In summary, the available evidence is currently insufficient to determine the role of this variant in disease. Therefore, it has been classified as a Variant of Uncertain Significance. This variant has not been reported in the literature in individuals affected with WIPF1-related conditions. This sequence change replaces serine, which is neutral and polar, with threonine, which is neutral and polar, at codon 178 of the WIPF1 protein (p.Ser178Thr). This variant is present in population databases (no rsID available, gnomAD 0.006%).

NM_001375834.1(WIPF1):c.532T>A (p.Ser178Thr)

Gene: WIPF1 (WAS/WASL interacting protein family member 1; minus strand). Cytogenetic location: 2q31.1.
Variant type: single nucleotide variant.
Coding change: c.532T>A on transcript NM_001375834.1 (MANE Select); coding-DNA position 532, T replaced by A.
Protein change: p.Ser178Thr; replaces serine 178 with threonine.
Molecular consequence: missense variant. On other transcripts: intron variant (1).
Genome position (GRCh38, 1-based): chr2:174,572,273, A>T on the plus strand (T>A on the coding strand, the complement: WIPF1 is on the minus strand). VCF-style: chr2-174572273-A-T. GRCh37 (hg19) VCF-style: chr2-175437001-A-T.
Other names: c.532T>A, p.Ser178Thr (NM_001077269.1, NM_001375832.1, NM_001375833.1 and 5 more transcripts); c.182-28T>A (NM_001375839.1); short protein forms S178T.
Identifiers: ClinVar variation 1964970 (VCV001964970.4), dbSNP rs1032524616, ClinGen allele CA60843763.